The following is an entry in ClinVar:

ClinVar aggregate classification (germline): Uncertain significance (1 of 4 stars; one submission).

gnomAD v4.1: 9 of 1,612,916 alleles (0.00056%); highest among the groups gnomAD compares: Non-Finnish European, 0.00068%; no homozygotes.

Submission:

Labcorp Genetics (formerly Invitae), Labcorp
Classification: Uncertain significance. Last evaluated: 2024-04-03. Review status: criteria provided, single submitter. Criteria: Invitae Variant Classification Sherloc (09022015). Collection method: clinical testing. Allele origin: germline.
Comment: This sequence change replaces glutamine, which is neutral and polar, with arginine, which is basic and polar, at codon 68 of the ADAMTS13 protein (p.Gln68Arg). This variant is present in population databases (no rsID available, gnomAD 0.003%). This variant has not been reported in the literature in individuals affected with ADAMTS13-related conditions. Advanced modeling of protein sequence and biophysical properties (such as structural, functional, and spatial information, amino acid conservation, physicochemical variation, residue mobility, and thermodynamic stability) performed at Invitae indicates that this missense variant is not expected to disrupt ADAMTS13 protein function with a negative predictive value of 80%. In summary, the available evidence is currently insufficient to determine the role of this variant in disease. Therefore, it has been classified as a Variant of Uncertain Significance.

NM_139027.6(ADAMTS13):c.203A>G (p.Gln68Arg)

Gene: ADAMTS13 (ADAM metallopeptidase with thrombospondin type 1 motif 13; plus strand). Cytogenetic location: 9q34.2.
Variant type: single nucleotide variant.
Coding change: c.203A>G on transcript NM_139027.6 (MANE Select); coding-DNA position 203, A replaced by G.
Protein change: p.Gln68Arg; replaces glutamine 68 with arginine.
Molecular consequence: missense variant. On other transcripts: non-coding transcript variant (1).
Genome position (GRCh38, 1-based): chr9:133,424,351, A>G. VCF-style: chr9-133424351-A-G. GRCh37 (hg19) VCF-style: chr9-136289471-A-G.
Other names: c.203A>G, p.Gln68Arg (NM_139026.6, NM_139025.5); short protein forms Q68R.
Identifiers: ClinVar variation 3702347 (VCV003702347.2).